The following is an entry in ClinVar:

ClinVar aggregate classification (germline): Benign/Likely benign. Review status: criteria provided, multiple submitters, no conflicts (2 of 4 stars). 4 submissions from 4 submitters: Benign (1); Likely benign (3). Last evaluated 2025-12-21.

Conditions:
Hereditary cancer-predisposing syndrome. Also called: Tumor predisposition; Neoplastic Syndromes, Hereditary; Hereditary Cancer Syndrome; Hereditary neoplastic syndrome. Identifiers: Orphanet 140162, MedGen C0027672, MeSH D009386, MONDO:0015356.
Ataxia-telangiectasia syndrome (AT). Also called: Ataxia-telangiectasia; Ataxia-telangiectasia, complementation group D; AT, COMPLEMENTATION GROUP C; LOUIS-BAR SYNDROME; Cerebello-oculocutaneous telangiectasia; Immunodeficiency with ataxia telangiectasia. Identifiers: Orphanet 100, MedGen C0004135, MONDO:0008840, OMIM 208900.
Familial cancer of breast. Also called: BREAST CANCER, FAMILIAL; hereditary breast carcinoma; Hereditary breast cancer. Identifiers: Orphanet 227535, MedGen C0346153, MONDO:0016419, OMIM 114480. Disease mechanism: loss of function.

Allele frequency attached by ClinVar (database versions not stated): gnomAD exomes 0.00001 and 0.00004; ExAC 0.00003; TOPMed 0.00006.
gnomAD v4.1: 10 of 1,613,192 alleles (0.00062%); highest among the groups gnomAD compares: East Asian, 0.022%; no homozygotes.

Submissions (4):

Labcorp Genetics (formerly Invitae), Labcorp
Classification: Likely benign for Ataxia-telangiectasia syndrome. Last evaluated: 2025-12-21. Review status: criteria provided, single submitter. Criteria: Invitae Variant Classification Sherloc (09022015). Collection method: clinical testing. Allele origin: germline.

Myriad Genetics, Inc.
Classification: Likely benign for Familial cancer of breast. Last evaluated: 2024-04-30. Review status: criteria provided, single submitter. Criteria: Myriad Autosomal Dominant, Autosomal Recessive and X-Linked Classification Criteria (2023). Collection method: clinical testing. Allele origin: unknown.
Comment: This variant is considered likely benign. This variant is intronic and is not expected to impact mRNA splicing.

Color Diagnostics, LLC DBA Color Health
Classification: Likely benign for Hereditary cancer-predisposing syndrome. Last evaluated: 2015-10-20. Review status: criteria provided, single submitter. Criteria: ACMG Guidelines, 2015. Collection method: clinical testing. Allele origin: germline.

GeneDx
Classification: Benign. Last evaluated: 2015-06-23. Review status: criteria provided, single submitter. Criteria: GeneDx Variant Classification (06012015). Collection method: clinical testing. Allele origin: germline. Affected: yes.
Comment: This variant is considered likely benign or benign based on one or more of the following criteria: it is a conservative change, it occurs at a poorly conserved position in the protein, it is predicted to be benign by multiple in silico algorithms, and/or has population frequency not consistent with disease.

NM_000051.4(ATM):c.1608-19G>T

Gene: ATM (ATM serine/threonine kinase; plus strand). Cytogenetic location: 11q22.3.
Variant type: single nucleotide variant.
Coding change: c.1608-19G>T on transcript NM_000051.4 (MANE Select); 19 bases into the intron before coding-DNA position 1608, G replaced by T.
Molecular consequence: intron variant.
Genome position (GRCh38, 1-based): chr11:108,251,818, G>T. VCF-style: chr11-108251818-G-T. GRCh37 (hg19) VCF-style: chr11-108122545-G-T.
Other names: c.1608-19G>T (NM_001351834.2).
Identifiers: ClinVar variation 490429 (VCV000490429.12), dbSNP rs773158102, ClinGen allele CA6264849.